The following is an entry in ClinVar:

NM_001371596.2(MFSD8):c.929G>A (p.Gly310Asp)

Gene: MFSD8 (major facilitator superfamily domain containing 8; minus strand). Cytogenetic location: 4q28.2.
Variant type: single nucleotide variant.
Coding change: c.929G>A on transcript NM_001371596.2 (MANE Select); coding-DNA position 929, G replaced by A.
Protein change: p.Gly310Asp; replaces glycine 310 with aspartic acid.
Molecular consequence: missense variant.
Genome position (GRCh38, 1-based): chr4:127,930,752, C>T on the plus strand (G>A on the coding strand, the complement: MFSD8 is on the minus strand). VCF-style: chr4-127930752-C-T. GRCh37 (hg19) VCF-style: chr4-128851907-C-T.
Other names: c.728G>A, p.Gly243Asp (NM_001363520.3); c.614G>A, p.Gly205Asp (NM_001363521.3); c.794G>A, p.Gly265Asp (NM_001371590.2); c.929G>A, p.Gly310Asp (NM_001371591.2, NM_152778.4); c.935G>A, p.Gly312Asp (NM_001371592.2); c.815G>A, p.Gly272Asp (NM_001371593.2, NM_001410766.1); c.782G>A, p.Gly261Asp (NM_001371594.2); c.647G>A, p.Gly216Asp (NM_001371595.1); and 1 more; short protein forms G310D, G205D, G243D, G216D, G261D, G265D, G272D, G312D.
Identifiers: ClinVar variation 1001 (VCV000001001.8), dbSNP rs118203975, ClinGen allele CA251659.

ClinVar aggregate classification (germline): Likely pathogenic. Review status: criteria provided, single submitter (1 of 4 stars). 2 submissions from 2 submitters: Likely pathogenic (1). 1 of the submissions does not count toward it. Last evaluated 2024-04-25.

Conditions:
Neuronal ceroid lipofuscinosis 7 (CLN7). Also called: MFSD8-Related Neuronal Ceroid-Lipofuscinosis. Identifiers: Orphanet 168491, Orphanet 228366, MedGen C1838571, MONDO:0012588, OMIM 610951.

gnomAD v4.1: 3 of 1,613,310 alleles (0.00019%); highest among the groups gnomAD compares: Non-Finnish European, 0.00025%; no homozygotes.

Submissions (2):

Labcorp Genetics (formerly Invitae), Labcorp
Classification: Likely pathogenic for Neuronal ceroid lipofuscinosis 7. Last evaluated: 2024-04-25. Review status: criteria provided, single submitter. Criteria: Invitae Variant Classification Sherloc (09022015). Collection method: clinical testing. Allele origin: germline.
Comment: This sequence change replaces glycine, which is neutral and non-polar, with aspartic acid, which is acidic and polar, at codon 310 of the MFSD8 protein (p.Gly310Asp). This variant is not present in population databases (gnomAD no frequency). This missense change has been observed in individuals with neuronal ceroid lipofuscinosis and/or retinal dystrophy (PMID: 17564970, 19177532, 35457110). ClinVar contains an entry for this variant (Variation ID: 1001). Advanced modeling of protein sequence and biophysical properties (such as structural, functional, and spatial information, amino acid conservation, physicochemical variation, residue mobility, and thermodynamic stability) performed at Invitae indicates that this missense variant is expected to disrupt MFSD8 protein function with a positive predictive value of 80%. Experimental studies have shown that this missense change does not substantially affect MFSD8 function (PMID: 17564970, 22668694). In summary, the currently available evidence indicates that the variant is pathogenic, but additional data are needed to prove that conclusively. Therefore, this variant has been classified as Likely Pathogenic.

OMIM
Classification: Pathogenic for CEROID LIPOFUSCINOSIS, NEURONAL, 7. Last evaluated: 2009-03-01. Review status: no assertion criteria provided. Collection method: literature only. Allele origin: germline. Not counted in ClinVar's aggregate classification.

Literature cited by the submitters: PubMed 17564970 (cited by Labcorp Genetics (formerly Invitae), Labcorp and OMIM); PubMed 19177532 (cited by Labcorp Genetics (formerly Invitae), Labcorp and OMIM); PubMed 35457110 (cited by Labcorp Genetics (formerly Invitae), Labcorp); PubMed 22668694 (cited by Labcorp Genetics (formerly Invitae), Labcorp); PubMed 15074367 (cited by OMIM).